The following is an entry in ClinVar:

NM_000257.4(MYH7):c.5494C>T (p.Arg1832Cys)

Gene: MYH7 (myosin heavy chain 7; minus strand). Cytogenetic location: 14q11.2.
Variant type: single nucleotide variant.
Coding change: c.5494C>T on transcript NM_000257.4 (MANE Select); coding-DNA position 5494, C replaced by T.
Protein change: p.Arg1832Cys; replaces arginine 1832 with cysteine.
Molecular consequence: missense variant.
Genome position (GRCh38, 1-based): chr14:23,415,060, G>A on the plus strand (C>T on the coding strand, the complement: MYH7 is on the minus strand). VCF-style: chr14-23415060-G-A. GRCh37 (hg19) VCF-style: chr14-23884269-G-A.
Other names: c.5494C>T (LRG_384t1); short protein forms R1832C.
Identifiers: ClinVar variation 161322 (VCV000161322.36), dbSNP rs201865159, ClinGen allele CA016134.
Genomic context (GRCh38, chr14:23,415,060, plus strand): 5'-AGGTGAGCTCCTTGATGCGCCGCTCGCTCTTCCTCATGCCCTTCACCGACTCTGCGTTGC[G>A]CTTCTGCTCGGCCTCCAGCTCATTCTCCAGCTCCCGCACCCGCGCTTCCAGCTTCTGCAG-3'
Protein context (NP_000248.2, residues 1822-1842): LENELEAEQK[Arg1832Cys]NAESVKGMRK

ClinVar aggregate classification (germline): Uncertain significance. Review status: criteria provided, multiple submitters, no conflicts (2 of 4 stars). 18 submissions from 18 submitters: Uncertain significance (13). 5 of the submissions do not count toward it. Last evaluated 2026-09-21.

Conditions:
Cardiovascular phenotype. Identifiers: MedGen CN230736.
Congenital myopathy with fiber type disproportion. Also called: Congenital fiber-type disproportion myopathy; Congenital fiber-type disproportion. Identifiers: Orphanet 2020, MedGen C0546264, MONDO:0009711. Inheritance: all.
MYH7-related skeletal myopathy. Also called: MYOPATHY, DISTAL, EARLY-ONSET, AUTOSOMAL DOMINANT; MYOPATHY, LATE DISTAL HEREDITARY; Laing early-onset distal myopathy; Laing distal myopathy; Myopathy, distal, 1. Identifiers: Orphanet 59135, MedGen C4552004, MONDO:0008050, OMIM 160500.
Myopathy, myosin storage, autosomal recessive (CMYO7B). Also called: CONGENITAL MYOPATHY 7B, MYOSIN STORAGE, AUTOSOMAL RECESSIVE. Identifiers: Orphanet 636970, MedGen C1850709, MONDO:0009708, OMIM 255160.
Hypertrophic cardiomyopathy 1 (CMH1). Also called: MYH7-Related Familial Hypertrophic Cardiomyopathy; Familial hypertrophic cardiomyopathy 1. Identifiers: MedGen C3495498, MONDO:0008647, OMIM 192600.
Myosin storage myopathy (CMYO7A). Also called: Scapuloperoneal myopathy, MYH7-related; MYOPATHY WITH LYSIS OF TYPE I MYOFIBRILS; MYH7-related late-onset scapuloperoneal muscular dystrophy; Congenital myopathy 7A, myosin storage, autosomal dominant; SCAPULOPERONEAL MUSCULAR DYSTROPHY; SCAPULOPERONEAL SYNDROME, MYOPATHIC TYPE. Identifiers: Orphanet 437572, Orphanet 636965, MedGen C1842160, MONDO:0008409, OMIM 608358.
Dilated cardiomyopathy 1S (CMD1S). Identifiers: Orphanet 154, Orphanet 54260, MedGen C1834481, MONDO:0013262, OMIM 613426.
Cardiomyopathy (CMYO). Also called: Cardiomyopathies. Identifiers: Orphanet 167848, MedGen C0878544, MONDO:0004994, HP:0001638. Inheritance: Various modes of inheritance.
Primary dilated cardiomyopathy (DCM). Also called: Dilated Cardiomyopathy. Identifiers: Orphanet 217604, MedGen C0007193, MeSH D002311, MONDO:0005021, HP:0001644. Inheritance: Various modes of inheritance.
Hypertrophic cardiomyopathy. Also called: HYPERTROPHIC MYOCARDIOPATHY. Identifiers: Orphanet 217569, MedGen C0007194, MeSH D002312, MONDO:0005045, HP:0001639.

Allele frequency attached by ClinVar (database versions not stated): ESP Exome Variant Server 0.00008; TOPMed 0.00002.
gnomAD v4.1: 62 of 1,612,948 alleles (0.0038%); highest among the groups gnomAD compares: Non-Finnish European, 0.0047%; no homozygotes.

Submissions 1 to 8 of 18:

Molecular Diagnostic Laboratory for Inherited Cardiovascular Disease, Montreal Heart Institute
Classification: Uncertain significance for Cardiovascular phenotype. Last evaluated: 2026-09-21. Review status: criteria provided, single submitter. Criteria: ACMG Guidelines, 2015. Collection method: clinical testing. Allele origin: germline. Affected: yes.
Comment: PM2

Labcorp Genetics (formerly Invitae), Labcorp
Classification: Uncertain significance for Hypertrophic cardiomyopathy. Last evaluated: 2025-10-26. Review status: criteria provided, single submitter. Criteria: Invitae Variant Classification Sherloc (09022015). Collection method: clinical testing. Allele origin: germline.
Comment: This sequence change replaces arginine, which is basic and polar, with cysteine, which is neutral and slightly polar, at codon 1832 of the MYH7 protein (p.Arg1832Cys). This variant is present in population databases (rs201865159, gnomAD 0.006%). This missense change has been observed in individual(s) with dilated cardiomyopathy (PMID: 19293840). ClinVar contains an entry for this variant (Variation ID: 161322). Invitae Evidence Modeling of protein sequence and biophysical properties (such as structural, functional, and spatial information, amino acid conservation, physicochemical variation, residue mobility, and thermodynamic stability) indicates that this missense variant is expected to disrupt MYH7 protein function with a positive predictive value of 95%. In summary, the available evidence is currently insufficient to determine the role of this variant in disease. Therefore, it has been classified as a Variant of Uncertain Significance.

GeneDx
Classification: Uncertain significance. Last evaluated: 2025-08-26. Review status: criteria provided, single submitter. Criteria: GeneDx Variant Classification Process June 2021. Collection method: clinical testing. Allele origin: germline. Affected: yes.
Comment: In silico analysis supports that this missense variant has a deleterious effect on protein structure/function; This variant is associated with the following publications: (PMID: 25637381, 21424860, 21310275, 23299917, 23861362, 21839045, 22337857, 34426522, 19293840, 30847666, 34542152)

Ambry Genetics
Classification: Uncertain significance for Cardiovascular phenotype. Last evaluated: 2024-11-27. Review status: criteria provided, single submitter. Criteria: Ambry Variant Classification Scheme 2023. Collection method: clinical testing. Allele origin: germline.
Comment: The p.R1832C variant (also known as c.5494C>T), located in coding exon 35 of the MYH7 gene, results from a C to T substitution at nucleotide position 5494. The arginine at codon 1832 is replaced by cysteine, an amino acid with highly dissimilar properties. This variant has been detected in an individual with dilated cardiomyopathy (M&oslash;ller DV et al. Eur J Hum Genet. 2009 Oct;17:1241-9), and in an individual with hypertrophic cardiomyopathy who also had a frameshift mutation in MYBPC3 (Maron BJ et al. Heart Rhythm. 2012 Jan;9:57-63). This amino acid position is well conserved in available vertebrate species. In addition, this alteration is predicted to be deleterious by in silico analysis. Since supporting evidence is limited at this time, the clinical significance of this alteration remains unclear.

Women's Health and Genetics/Laboratory Corporation of America, LabCorp
Classification: Uncertain significance. Last evaluated: 2024-09-26. Review status: criteria provided, single submitter. Criteria: LabCorp Variant Classification Summary - May 2015. Collection method: clinical testing. Allele origin: germline.
Comment: Variant summary: MYH7 c.5494C>T (p.Arg1832Cys) results in a non-conservative amino acid change located in the Myosin tail domain (IPR002928) of the encoded protein sequence. Five of five in-silico tools predict a damaging effect of the variant on protein function. The variant allele was found at a frequency of 3.6e-05 in 250790 control chromosomes (gnomAD). The available data on variant occurrences in the general population are insufficient to allow any conclusion about variant significance. c.5494C>T has been reported in the literature in an individual(s) affected with Dilated Cardiomyopathy (e.g. Moller_2009). This result does not provide unequivocal conclusions about association of the variant with Dilated Cardiomyopathy. To our knowledge, no experimental evidence demonstrating an impact on protein function has been reported. The following publication has been ascertained in the context of this evaluation (PMID: 19293840). ClinVar contains an entry for this variant (Variation ID: 161322). Based on the evidence outlined above, the variant was classified as uncertain significance.

All of Us Research Program, National Institutes of Health
Classification: Uncertain significance for Cardiomyopathy. Last evaluated: 2024-09-23. Review status: criteria provided, single submitter. Criteria: ACMG Guidelines, 2015. Collection method: clinical testing. Allele origin: germline. Inheritance: Autosomal dominant inheritance. Observed: 12 variant alleles, 12 heterozygotes.
Comment: This missense variant replaces arginine with cysteine at codon 1832 of the MYH7 protein. Computational prediction suggests that this variant may have deleterious impact on protein structure and function (internally defined REVEL score threshold >= 0.7, PMID: 27666373). To our knowledge, functional studies have not been reported for this variant. This variant has been reported in an individual affected with dilated cardiomyopathy (PMID: 19293840) and in two siblings affected with skeletal myopathy and left ventricular non-compaction (Moore et al., 2018). This variant has been observed in an individual with hypertrophic cardiomyopathy, who also carried a pathogenic mutation in the MYBPC3 gene (PMID: 21839045). This variant has been identified in 9/250790 chromosomes in the general population by the Genome Aggregation Database (gnomAD). The available evidence is insufficient to determine the role of this variant in disease conclusively. Therefore, this variant is classified as a Variant of Uncertain Significance.

This study involves interpretation of variants in research participants for the purpose of population health screening. Participant phenotype was not available at the time of variant classification. Additional details can be found in publication PMID: 35346344, PMCID: PMC8962531

Color Diagnostics, LLC DBA Color Health
Classification: Uncertain significance for Cardiomyopathy. Last evaluated: 2024-02-05. Review status: criteria provided, single submitter. Criteria: ACMG Guidelines, 2015. Collection method: clinical testing. Allele origin: germline.
Comment: This missense variant replaces arginine with cysteine at codon 1832 of the MYH7 protein. Computational prediction suggests that this variant may have deleterious impact on protein structure and function (internally defined REVEL score threshold >= 0.7, PMID: 27666373). To our knowledge, functional studies have not been reported for this variant. This variant has been reported in an individual affected with dilated cardiomyopathy (PMID: 19293840) and in two siblings affected with skeletal myopathy and left ventricular non-compaction (Moore et al., 2018). This variant has been observed in an individual with hypertrophic cardiomyopathy, who also carried a pathogenic mutation in the MYBPC3 gene (PMID: 21839045). This variant has been identified in 9/250790 chromosomes in the general population by the Genome Aggregation Database (gnomAD). The available evidence is insufficient to determine the role of this variant in disease conclusively. Therefore, this variant is classified as a Variant of Uncertain Significance.

Blueprint Genetics
Classification: Uncertain significance. Last evaluated: 2023-03-01. Review status: criteria provided, single submitter. Criteria: ACMG Guidelines, 2015. Collection method: clinical testing. Allele origin: germline.